The following is an entry in ClinVar:

ClinVar aggregate classification (germline): Likely pathogenic (1 of 4 stars; one submission).

Conditions:
Mucolipidosis type II. Also called: ML II ALPHA/BETA; Mucolipidosis 2; ML 2; Inclusion cell disease; Leroy Disease; N-acetylglucosamine 1phosphotransferase deficiency. Identifiers: Orphanet 576, MedGen C2673377, MONDO:0009650, OMIM 252500.
Pseudo-Hurler polydystrophy. Also called: ML III; ML III ALPHA/BETA; Mucolipidosis III Alpha/Beta; Type III Mucolipidosis; ML IIIA; MUCOLIPIDOSIS IIIA. Identifiers: Orphanet 423461, Orphanet 577, MedGen C0033788, MONDO:0018931, OMIM 252600.

Submission:

Diagnostics Division, CENTRE FOR DNA FINGERPRINTING AND DIAGNOSTICS
Classification: Likely pathogenic for Mucolipidosis type II; Pseudo-Hurler polydystrophy. Last evaluated: 2016-01-01. Review status: criteria provided, single submitter. Criteria: ACMG Guidelines, 2015. Collection method: research. Allele origin: unknown. Affected: yes. Observed: 1 compound heterozygote.
Comment: Duplication variant

NM_024312.5(GNPTAB):c.2947_2954dup (p.Arg986fs)

Gene: GNPTAB (N-acetylglucosamine-1-phosphate transferase subunits alpha and beta; minus strand). Cytogenetic location: 12q23.2.
Variant type: Duplication.
Coding change: c.2947_2954dup on transcript NM_024312.5 (MANE Select); coding-DNA positions 2947 to 2954, 8 bases duplicated (CACAAAGT; older notation c.2947_2954dupCACAAAGT).
Protein change: p.Arg986fs; shifts the reading frame from arginine 986.
Molecular consequence: frameshift variant.
Genome position (GRCh38, 1-based): chr12:101,761,308-101,761,315, ACTTTGTG duplicated on the plus strand (CACAAAGT on the coding strand, the reverse complement: GNPTAB is on the minus strand); duplicating any 8 consecutive bases within chr12:101,761,308-101,761,316 gives the same sequence; the c. name uses the placement nearest the transcript's 3' end. VCF-style (leftmost placement, unchanged base first): chr12-101761307-C-CACTTTGTG. GRCh37 (hg19) VCF-style: chr12-102155085-C-CACTTTGTG.
Other names: short protein forms R986fs.
Identifiers: ClinVar variation 397569 (VCV000397569.3), dbSNP rs1555269154, ClinGen allele CA16609427.